The following is an entry in ClinVar:

ClinVar aggregate classification (germline): Uncertain significance. Review status: criteria provided, multiple submitters, no conflicts (2 of 4 stars). 5 submissions from 5 submitters: Uncertain significance (5). Last evaluated 2023-12-13.

Conditions:
Cardiomyopathy (CMYO). Also called: Cardiomyopathies. Identifiers: Orphanet 167848, MedGen C0878544, MONDO:0004994, HP:0001638. Inheritance: Various modes of inheritance.
Arrhythmogenic cardiomyopathy with wooly hair and keratoderma. Also called: Dilated cardiomyopathy with woolly hair and keratoderma; Carvajal syndrome; PALMOPLANTAR KERATODERMA WITH LEFT VENTRICULAR CARDIOMYOPATHY AND WOOLLY HAIR; Arrhythmogenic cardiomyopathy with woolly hair and keratoderma. Identifiers: Orphanet 65282, MedGen C1854063, MONDO:0011581, OMIM 605676.
Arrhythmogenic right ventricular dysplasia 8 (ARVD8). Also called: Arrhythmogenic Right Ventricular Dysplasia/Cardiomyopathy 8; ARRHYTHMOGENIC RIGHT VENTRICULAR DYSPLASIA, FAMILIAL, 8; ARRHYTHMOGENIC RIGHT VENTRICULAR CARDIOMYOPATHY 8. Identifiers: MedGen C1843896, MONDO:0011831, OMIM 607450.

Allele frequency attached by ClinVar (database versions not stated): gnomAD exomes below 0.00001; ExAC 0.00001; TOPMed 0.00001; gnomAD 0.00001.
gnomAD v4.1: 7 of 1,614,002 alleles (0.00043%); highest among the groups gnomAD compares: Non-Finnish European, 0.00051%; no homozygotes.

Submissions (5):

All of Us Research Program, National Institutes of Health
Classification: Uncertain significance for Arrhythmogenic cardiomyopathy with wooly hair and keratoderma. Last evaluated: 2023-12-13. Review status: criteria provided, single submitter. Criteria: ACMG Guidelines, 2015. Collection method: clinical testing. Allele origin: germline. Inheritance: Autosomal dominant inheritance. Observed: 1 variant allele, 1 heterozygote.
Comment: This missense variant replaces glutamic acid with lysine at codon 2629 of the DSP protein. Computational prediction is inconclusive regarding the impact of this variant on protein structure and function (internally defined REVEL score threshold 0.5 < inconclusive < 0.7, PMID: 27666373). To our knowledge, functional studies have not been reported for this variant. This variant has not been reported in individuals affected with DSP-related disorders in the literature. This variant has been identified in 1/250598 chromosomes in the general population by the Genome Aggregation Database (gnomAD). The available evidence is insufficient to determine the role of this variant in disease conclusively. Therefore, this variant is classified as a Variant of Uncertain Significance.

This study involves interpretation of variants in research participants for the purpose of population health screening. Participant phenotype was not available at the time of variant classification. Additional details can be found in publication PMID: 35346344, PMCID: PMC8962531

Color Diagnostics, LLC DBA Color Health
Classification: Uncertain significance for Cardiomyopathy. Last evaluated: 2023-11-08. Review status: criteria provided, single submitter. Criteria: ACMG Guidelines, 2015. Collection method: clinical testing. Allele origin: germline.
Comment: This missense variant replaces glutamic acid with lysine at codon 2629 of the DSP protein. Computational prediction is inconclusive regarding the impact of this variant on protein structure and function. To our knowledge, functional studies have not been reported for this variant. This variant has not been reported in individuals affected with DSP-related disorders in the literature. This variant has been identified in 1/250598 chromosomes in the general population by the Genome Aggregation Database (gnomAD). The available evidence is insufficient to determine the role of this variant in disease conclusively. Therefore, this variant is classified as a Variant of Uncertain Significance.

Labcorp Genetics (formerly Invitae), Labcorp
Classification: Uncertain significance for Arrhythmogenic cardiomyopathy with wooly hair and keratoderma; Arrhythmogenic right ventricular dysplasia 8. Last evaluated: 2022-02-04. Review status: criteria provided, single submitter. Criteria: Invitae Variant Classification Sherloc (09022015). Collection method: clinical testing. Allele origin: germline.
Comment: In summary, the available evidence is currently insufficient to determine the role of this variant in disease. Therefore, it has been classified as a Variant of Uncertain Significance. Algorithms developed to predict the effect of missense changes on protein structure and function are either unavailable or do not agree on the potential impact of this missense change (SIFT: "Deleterious"; PolyPhen-2: "Probably Damaging"; Align-GVGD: "Class C15"). ClinVar contains an entry for this variant (Variation ID: 426538). This variant has not been reported in the literature in individuals affected with DSP-related conditions. This variant is present in population databases (rs756976948, gnomAD 0.0009%). This sequence change replaces glutamic acid, which is acidic and polar, with lysine, which is basic and polar, at codon 2629 of the DSP protein (p.Glu2629Lys).

Stanford Center for Inherited Cardiovascular Disease, Stanford University
Classification: Uncertain significance. Last evaluated: 2017-08-16. Review status: criteria provided, single submitter. Criteria: ACMG Guidelines, 2015. Collection method: provider interpretation. Allele origin: germline.

GeneDx
Classification: Uncertain significance. Last evaluated: 2017-04-13. Review status: criteria provided, single submitter. Criteria: GeneDx Variant Classification (06012015). Collection method: clinical testing. Allele origin: germline. Affected: yes.
Comment: The E2629K variant of uncertain significance in the DSP gene has not been published as a pathogenic variant, nor has it been reported as a benign variant to our knowledge. The E2629K variant was is not observed at a significant frequency in large population cohorts (Lek et al., 2016; 1000 Genomes Consortium et al., 2015; Exome Variant Server). The E2629K variant is a non-conservative amino acid substitution, which is likely to impact secondary protein structure as these residues differ in polarity, charge, size and/or other properties. This substitution occurs at a position that is conserved across species, and in silico analysis predicts this variant is probably damaging to the protein structure/function. However, this variant lacks observation in a significant number of affected individuals, segregation data, and functional evidence, which would further clarify its pathogenicity.

NM_004415.4(DSP):c.7885G>A (p.Glu2629Lys)

Gene: DSP (desmoplakin; plus strand). Cytogenetic location: 6p24.3.
Variant type: single nucleotide variant.
Coding change: c.7885G>A on transcript NM_004415.4 (MANE Select); coding-DNA position 7885, G replaced by A.
Protein change: p.Glu2629Lys; replaces glutamic acid 2629 with lysine.
Molecular consequence: missense variant.
Genome position (GRCh38, 1-based): chr6:7,585,147, G>A. VCF-style: chr6-7585147-G-A. GRCh37 (hg19) VCF-style: chr6-7585380-G-A.
Other names: c.7885G>A (LRG_423t1); c.6088G>A, p.Glu2030Lys (NM_001008844.3); c.6556G>A, p.Glu2186Lys (NM_001319034.2); short protein forms E2629K, E2186K, E2030K.
Identifiers: ClinVar variation 426538 (VCV000426538.13), dbSNP rs756976948, ClinGen allele CA051071.